The following is an entry in ClinVar:

NM_001005242.3(PKP2):c.246T>A (p.Ser82Arg)

Gene: PKP2 (plakophilin 2; minus strand). Cytogenetic location: 12p11.21.
Variant type: single nucleotide variant.
Coding change: c.246T>A on transcript NM_001005242.3 (MANE Select); coding-DNA position 246, T replaced by A.
Protein change: p.Ser82Arg; replaces serine 82 with arginine.
Molecular consequence: missense variant. On other transcripts: 5 prime UTR variant (4).
Genome position (GRCh38, 1-based): chr12:32,879,010, A>T on the plus strand (T>A on the coding strand, the complement: PKP2 is on the minus strand). VCF-style: chr12-32879010-A-T. GRCh37 (hg19) VCF-style: chr12-33031944-A-T.
Other names: c.246T>A, p.Ser82Arg (NM_001407155.1, NM_001407156.1, NM_001407157.1 and 2 more transcripts); c.-82T>A (NM_001407158.1, NM_001407159.1, NM_001407160.1 and 1 more transcripts); short protein forms S82R.
Identifiers: ClinVar variation 3893819 (VCV003893819.1).

ClinVar aggregate classification (germline): Uncertain significance (1 of 4 stars; one submission).

Conditions:
Cardiomyopathy (CMYO). Also called: Cardiomyopathies. Identifiers: Orphanet 167848, MedGen C0878544, MONDO:0004994, HP:0001638. Inheritance: Various modes of inheritance.

Submission:

Color Diagnostics, LLC DBA Color Health
Classification: Uncertain significance for Cardiomyopathy. Last evaluated: 2024-06-03. Review status: criteria provided, single submitter. Criteria: ACMG Guidelines, 2015. Collection method: clinical testing. Allele origin: germline.
Comment: This missense variant replaces serine with arginine at codon 82 of the PKP2 protein. Computational prediction is inconclusive regarding the impact of this variant on protein structure and function (internally defined REVEL score threshold 0.5 < inconclusive < 0.7, PMID: 27666373). To our knowledge, functional studies have not been reported for this variant. This variant has not been reported in individuals affected with PKP2-related disorders in the literature. This variant has not been identified in the general population by the Genome Aggregation Database (gnomAD). The available evidence is insufficient to determine the role of this variant in disease conclusively. Therefore, this variant is classified as a Variant of Uncertain Significance.